The following is an entry in ClinVar:

NM_007294.4(BRCA1):c.1438A>C (p.Asn480His)

Gene: BRCA1 (BRCA1 DNA repair associated; minus strand). Cytogenetic location: 17q21.31.
Variant type: single nucleotide variant.
Coding change: c.1438A>C on transcript NM_007294.4 (MANE Select); coding-DNA position 1438, A replaced by C.
Protein change: p.Asn480His; replaces asparagine 480 with histidine.
Molecular consequence: missense variant. On other transcripts: intron variant (137).
Genome position (GRCh38, 1-based): chr17:43,094,093, T>G on the plus strand (A>C on the coding strand, the complement: BRCA1 is on the minus strand). VCF-style: chr17-43094093-T-G. GRCh37 (hg19) VCF-style: chr17-41246110-T-G.
Other names: c.787+651A>C (NM_001407990.1, NM_007299.4, NM_001407974.1 and 19 more transcripts); c.1312A>C, p.Asn438His (NM_001407670.1, NM_001407673.1, NM_001407672.1 and 11 more transcripts); c.1315A>C, p.Asn439His (NM_001407674.1, NM_001407677.1, NM_001407675.1 and 19 more transcripts); c.646+651A>C (NM_001408455.1, NM_001408458.1, NM_001408469.1 and 11 more transcripts); c.577+651A>C (NM_001408513.1, NM_001408492.1, NM_001408481.1 and 9 more transcripts); c.643+651A>C (NM_001408468.1, NM_001408470.1, NM_001408464.1 and 3 more transcripts); c.523+651A>C (NM_001408501.1, NM_001408498.1, NM_001408500.1 and 3 more transcripts); c.1234A>C, p.Asn412His (NM_001407875.1, NM_001407874.1); and 40 more; short protein forms N312H, N410H, N412H, N184H, N392H, N433H, N439H, N454H.
Identifiers: ClinVar variation 1772642 (VCV001772642.9), dbSNP rs2154446131, ClinGen allele CA10599167.

ClinVar aggregate classification (germline): Conflicting classifications of pathogenicity. Review status: criteria provided, conflicting classifications (1 of 4 stars). 3 submissions from 3 submitters: Uncertain significance (2); Likely benign (1). Last evaluated 2023-10-08.

Conditions:
Hereditary cancer-predisposing syndrome. Also called: Hereditary Cancer Syndrome; Hereditary neoplastic syndrome; Neoplastic Syndromes, Hereditary; Tumor predisposition. Identifiers: Orphanet 140162, MedGen C0027672, MeSH D009386, MONDO:0015356.
Hereditary breast ovarian cancer syndrome. Also called: Hereditary breast and ovarian cancer syndrome (HBOC); Breast and ovarian cancer; Hereditary breast and ovarian cancer syndrome; Hereditary breast and/or ovarian cancer syndrome; BRCA1- and BRCA2-Associated Hereditary Breast and Ovarian Cancer; Hereditary breast and ovarian cancer. Identifiers: Orphanet 145, MedGen C0677776, MeSH D061325, MONDO:0003582. Disease mechanism: loss of function.

Submissions (3):

Ambry Genetics
Classification: Uncertain significance for Hereditary cancer-predisposing syndrome. Last evaluated: 2023-10-08. Review status: criteria provided, single submitter. Criteria: Ambry Variant Classification Scheme 2023. Collection method: clinical testing. Allele origin: germline.
Comment: The p.N480H variant (also known as c.1438A>C), located in coding exon 9 of the BRCA1 gene, results from an A to C substitution at nucleotide position 1438. The asparagine at codon 480 is replaced by histidine, an amino acid with similar properties. This amino acid position is poorly conserved in available vertebrate species. In addition, the in silico prediction for this alteration is inconclusive. Since supporting evidence is limited at this time, the clinical significance of this alteration remains unclear.

University of Washington Department of Laboratory Medicine, University of Washington
Classification: Likely benign for Hereditary cancer-predisposing syndrome. Last evaluated: 2023-03-23. Review status: criteria provided, single submitter. Criteria: Dines et al. (Genet Med. 2020). Collection method: curation. Allele origin: germline.
Comment: Missense variant in a coldspot region where missense variants are very unlikely to be pathogenic (PMID:31911673).

BRCA1 coldspot (exon 11 using historical exon numbering). Reclassification based on statistical prior probability

Labcorp Genetics (formerly Invitae), Labcorp
Classification: Uncertain significance for Hereditary breast ovarian cancer syndrome. Last evaluated: 2022-08-03. Review status: criteria provided, single submitter. Criteria: Invitae Variant Classification Sherloc (09022015). Collection method: clinical testing. Allele origin: germline.
Comment: In summary, the available evidence is currently insufficient to determine the role of this variant in disease. Therefore, it has been classified as a Variant of Uncertain Significance. Advanced modeling of protein sequence and biophysical properties (such as structural, functional, and spatial information, amino acid conservation, physicochemical variation, residue mobility, and thermodynamic stability) performed at Invitae indicates that this missense variant is not expected to disrupt BRCA1 protein function. This variant has not been reported in the literature in individuals affected with BRCA1-related conditions. This variant is not present in population databases (gnomAD no frequency). This sequence change replaces asparagine, which is neutral and polar, with histidine, which is basic and polar, at codon 480 of the BRCA1 protein (p.Asn480His).